The following is an entry in ClinVar:

ClinVar aggregate classification (germline): Uncertain significance (1 of 4 stars; one submission).

Conditions:
Intellectual disability. Also called: intellectual disabilities; Intellectual developmental disorder; Intellectual functioning disability. Identifiers: MedGen C3714756, MeSH D008607, MONDO:0001071, HP:0001249.
Spastic paraparesis. Identifiers: MedGen C0037771, HP:0002313.
Primary dilated cardiomyopathy (DCM). Also called: Dilated Cardiomyopathy. Identifiers: Orphanet 217604, MedGen C0007193, MeSH D002311, MONDO:0005021, HP:0001644. Inheritance: Various modes of inheritance.
Polyneuropathy. Identifiers: MedGen C0152025, MONDO:0001824, HP:0001271.

Submission:

Institute for Medical Genetics and Human Genetics, Charité - Universitätsmedizin Berlin
Classification: Uncertain significance for Intellectual disability; Polyneuropathy; Spastic paraparesis; Primary dilated cardiomyopathy. Review status: criteria provided, single submitter. Criteria: ACMG Guidelines, 2015. Collection method: clinical testing. Allele origin: germline. Affected: yes. Observed: 1 compound heterozygote.
Comment: The GBA2 gene codes for the non-lysosomal enzyme ÃŸ-glucosidase 2. Bi-allelic mutations in the GBA2 gene cause the clinical picture of autosomal recessive spastic paraplegia type 46 (MIM # 614409). So far, about 20 mutations in the GBA2 gene have been described as causative, 11 of which are missense mutations (HMGD Professional 2019.1). It is a neurodegenerative disease characterized by slowly progressing spastic paraplegia and cerebellar disorders (cerebellar ataxia, dysarthria). Some patients have also developed cognitive impairment, axonal polyneuropathy and cataracts (Martin et al, 2013; Hammer et al, 2013). The sequence variant c.1807T>A leads to the exchange of the highly conserved amino acid tryptophane to arginine at position 603. This exchange is classified as pathogenic by several prediction programs. The variant has not yet been described in ExAC or gnomAD. In summary, there are two variants (PM2) that have not been described so far. After consultation with clinicians, they fit the clinical picture (PP4) and are classified as pathogenic by several prediction programs (PP3). According to the ACMG criteria, the variants must currently be formally classified as variants of unclear significance (class III).

NM_020944.3(GBA2):c.1807T>A (p.Trp603Arg)

Gene: GBA2 (glucosylceramidase beta 2; minus strand). Cytogenetic location: 9p13.3.
Variant type: single nucleotide variant.
Coding change: c.1807T>A on transcript NM_020944.3 (MANE Select); coding-DNA position 1807, T replaced by A.
Protein change: p.Trp603Arg; replaces tryptophan 603 with arginine.
Molecular consequence: missense variant.
Genome position (GRCh38, 1-based): chr9:35,738,892, A>T on the plus strand (T>A on the coding strand, the complement: GBA2 is on the minus strand). VCF-style: chr9-35738892-A-T. GRCh37 (hg19) VCF-style: chr9-35738889-A-T.
Other names: c.1807T>A, p.Trp603Arg (NM_001330660.2); short protein forms W603R.
Identifiers: ClinVar variation 973831 (VCV000973831.2), dbSNP rs1826437611, ClinGen allele CA373410392.